The following is an entry in ClinVar:

NM_006914.4(RORB):c.884T>C (p.Leu295Pro)

Gene: RORB (RAR related orphan receptor B; plus strand). Cytogenetic location: 9q21.13.
Variant type: single nucleotide variant.
Coding change: c.884T>C on transcript NM_006914.4 (MANE Select); coding-DNA position 884, T replaced by C.
Protein change: p.Leu295Pro; replaces leucine 295 with proline.
Molecular consequence: missense variant.
Genome position (GRCh38, 1-based): chr9:74,662,598, T>C. VCF-style: chr9-74662598-T-C. GRCh37 (hg19) VCF-style: chr9-77277514-T-C.
Other names: c.917T>C, p.Leu306Pro (NM_001365023.1); short protein forms L295P, L306P.
Identifiers: ClinVar variation 2048195 (VCV002048195.4), dbSNP rs2489626432, ClinGen allele CA373770933.

ClinVar aggregate classification (germline): Uncertain significance (1 of 4 stars; one submission).

Submission:

Labcorp Genetics (formerly Invitae), Labcorp
Classification: Uncertain significance. Last evaluated: 2025-12-15. Review status: criteria provided, single submitter. Criteria: Invitae Variant Classification Sherloc (09022015). Collection method: clinical testing. Allele origin: germline.
Comment: This sequence change replaces leucine, which is neutral and non-polar, with proline, which is neutral and non-polar, at codon 295 of the RORB protein (p.Leu295Pro). This variant is not present in population databases (gnomAD no frequency). This variant has not been reported in the literature in individuals affected with RORB-related conditions. ClinVar contains an entry for this variant (Variation ID: 2048195). An algorithm developed to predict the effect of missense changes on protein structure and function (PolyPhen-2) suggests that this variant is likely to be disruptive. In summary, the available evidence is currently insufficient to determine the role of this variant in disease. Therefore, it has been classified as a Variant of Uncertain Significance.